The following is an entry in ClinVar:

NM_000355.4(TCN2):c.1084G>T (p.Ala362Ser)

Gene: TCN2 (transcobalamin 2; plus strand). Cytogenetic location: 22q12.2.
Variant type: single nucleotide variant.
Coding change: c.1084G>T on transcript NM_000355.4 (MANE Select); coding-DNA position 1084, G replaced by T.
Protein change: p.Ala362Ser; replaces alanine 362 with serine.
Molecular consequence: missense variant.
Genome position (GRCh38, 1-based): chr22:30,617,473, G>T. VCF-style: chr22-30617473-G-T. GRCh37 (hg19) VCF-style: chr22-31013460-G-T.
Other names: c.1003G>T, p.Ala335Ser (NM_001184726.2); short protein forms A362S, A335S.
Identifiers: ClinVar variation 1491491 (VCV001491491.6), dbSNP rs1237571997, ClinGen allele CA411215756.

ClinVar aggregate classification (germline): Uncertain significance (1 of 4 stars; one submission).

Conditions:
Transcobalamin II deficiency (TCN2D). Also called: TC II DEFICIENCY; TCN2 DEFICIENCY; Transcolabamin II deficiency. Identifiers: Orphanet 859, MedGen C0342701, MONDO:0010149, OMIM 275350.

gnomAD v4.1: 13 of 1,614,158 alleles (0.00081%); highest among the groups gnomAD compares: South Asian, 0.0088%; no homozygotes.

Submission:

Labcorp Genetics (formerly Invitae), Labcorp
Classification: Uncertain significance for Transcobalamin II deficiency. Last evaluated: 2025-07-28. Review status: criteria provided, single submitter. Criteria: Invitae Variant Classification Sherloc (09022015). Collection method: clinical testing. Allele origin: germline.
Comment: This sequence change replaces alanine, which is neutral and non-polar, with serine, which is neutral and polar, at codon 362 of the TCN2 protein (p.Ala362Ser). This variant is present in population databases (no rsID available, gnomAD 0.003%). This variant has not been reported in the literature in individuals affected with TCN2-related conditions. ClinVar contains an entry for this variant (Variation ID: 1491491). Invitae Evidence Modeling of protein sequence and biophysical properties (such as structural, functional, and spatial information, amino acid conservation, physicochemical variation, residue mobility, and thermodynamic stability) indicates that this missense variant is expected to disrupt TCN2 protein function with a positive predictive value of 80%. In summary, the available evidence is currently insufficient to determine the role of this variant in disease. Therefore, it has been classified as a Variant of Uncertain Significance.